The following is an entry in ClinVar:

ClinVar aggregate classification (germline): Likely benign (1 of 4 stars; one submission).

Conditions:
PCNT-related disorder. Also called: PCNT-related condition.

Submission:

PreventionGenetics, part of Exact Sciences
Classification: Likely benign for PCNT-related condition. Last evaluated: 2025-03-18. Review status: criteria provided, single submitter. Criteria: ACMG Guidelines, 2015. Collection method: clinical testing. Allele origin: germline.
Comment: This variant is classified as likely benign based on ACMG/AMP sequence variant interpretation guidelines (Richards et al. 2015 PMID: 25741868, with internal and published modifications).

NM_006031.6(PCNT):c.3531C>T (p.Val1177=)

Gene: PCNT (pericentrin; plus strand). Cytogenetic location: 21q22.3.
Variant type: single nucleotide variant.
Coding change: c.3531C>T on transcript NM_006031.6 (MANE Select); coding-DNA position 3531, C replaced by T.
Protein change: p.Val1177=; no amino-acid change (valine 1177 retained).
Molecular consequence: synonymous variant.
Genome position (GRCh38, 1-based): chr21:46,388,808, C>T. VCF-style: chr21-46388808-C-T. GRCh37 (hg19) VCF-style: chr21-47808723-C-T.
Other names: c.3177C>T, p.Val1059= (NM_001315529.2).
Identifiers: ClinVar variation 5001057 (VCV005001057.1), dbSNP rs267606166.
Genomic context (GRCh38, chr21:46,388,808, plus strand): 5'-CCTCCAGGACGCCCTGCGCAGGCTGCTGGGTTTGTTTGGAGAGACGCTGAGGGCAGCCGT[C>T]ACCCTGAGGAGCCGGATCGGGGAGCGCGTGGGGCTCTGCCTGGATGACGCGGGCGCAGGC-3'
Protein context (NP_006022.3, residues 1167-1187): GLFGETLRAA[Val1177=]TLRSRIGERV